The following is an entry in ClinVar:

NM_000261.2(MYOC):c.1138G>C (p.Asp380His)

Gene: MYOC (myocilin; minus strand). Cytogenetic location: 1q24.3.
Variant type: single nucleotide variant.
Coding change: c.1138G>C on transcript NM_000261.2 (MANE Select); coding-DNA position 1138, G replaced by C.
Protein change: p.Asp380His; replaces aspartic acid 380 with histidine.
Molecular consequence: missense variant.
Genome position (GRCh38, 1-based): chr1:171,636,302, C>G on the plus strand (G>C on the coding strand, the complement: MYOC is on the minus strand). VCF-style: chr1-171636302-C-G. GRCh37 (hg19) VCF-style: chr1-171605442-C-G.
Other names: NM_000261.2(MYOC):c.1138G>C; short protein forms D380H.
Identifiers: ClinVar variation 7961 (VCV000007961.6), dbSNP rs121909194, ClinGen allele CA119186.
Genomic context (GRCh38, chr1:171,636,302, plus strand): 5'-CACCTTTGGCCTCATCGGTGCTGTAAATGACCCAGAGGCCTGCTTCATCCACAGCCAAGT[C>G]AATGTCCGTGTAGCCACCCCAAGAATACGGGAACTGTCCGTGGTAGCCAGCTCCAGGGAT-3'
Protein context (NP_000252.1, residues 370-390): PYSWGGYTDI[Asp380His]LAVDEAGLWV

ClinVar aggregate classification (germline): Likely pathogenic. Review status: reviewed by expert panel (3 of 4 stars). 2 submissions from 2 submitters: Likely pathogenic (1). 1 of the submissions does not count toward it. Last evaluated 2025-12-03.

Conditions:
Open-angle glaucoma. Identifiers: MedGen C0017612, MONDO:0005338, HP:0012108.
Glaucoma 1, open angle, A (GLC1A). Also called: Glaucoma, Dominant (Juvenile Onset). Identifiers: Orphanet 98977, MedGen C1842028, MONDO:0007664, OMIM 137750.

Submissions (2):

ClinGen Glaucoma Variant Curation Expert Panel
Classification: Likely pathogenic for Open-angle glaucoma. Last evaluated: 2025-12-03. Review status: reviewed by expert panel. Criteria: ClinGen Glaucoma ACMG Specifications V2.0.0 Approved. Collection method: curation. Allele origin: germline. Inheritance: Autosomal dominant inheritance.
Comment: The c.1138G>C variant in MYOC is a missense variant predicted to cause substitution of Aspartic Acid by Histidine at amino acid 380 (p.Asp380His). This variant was not found in any genetic ancestry group of gnomAD (v4.1.0), meeting the ≤ 0.0001 threshold set for PM2_Supporting in a genetic ancestry group of at least 10,000 alleles. The REVEL score = 0.965, which met the ≥ 0.932 threshold for PP3_Strong, predicting a damaging effect on MYOC function. The Asp380His protein had increased insolubility and reduced secretion levels compared to wild type myocilin protein in this study (PMID: 35196929). The assays met the OddsPath threshold for PS3_Moderate (> 4.3), indicating that this variant did impact protein function. 9 segregations in 1 family, with juvenile or primary open angle glaucoma (JOAG or POAG), have been reported (PMID: 17499207), which fulfilled PP1_Moderate (≥ 5 meioses in ≥ 1 family, but not the ≥ 7 meioses in > 1 family for the strong criterion). Only 1 proband with JOAG had been reported (PMID: 17499207), not meeting the ≥ 2 probands threshold required to meet PS4_Supporting. In summary, this variant met the criteria to receive a score of 9 and to be classified as likely pathogenic (likely pathogenic classification range 6 to 9, adapted from PMID: 32720330) for juvenile open angle glaucoma based on the ACMG/AMP criteria met, as specified by the ClinGen Glaucoma VCEP (v2.0.0, 5 Dec 2024): PP3_Strong, PS3_Moderate, PP1_Moderate, PM2_Supporting

OMIM
Classification: Pathogenic for GLAUCOMA 1, OPEN ANGLE, A. Last evaluated: 2007-07-01. Review status: no assertion criteria provided. Collection method: literature only. Allele origin: germline. Not counted in ClinVar's aggregate classification.

Literature cited by the submitters: PubMed 35196929 (cited by ClinGen Glaucoma Variant Curation Expert Panel); PubMed 17499207 (cited by OMIM).